The following is an entry in ClinVar:

ClinVar aggregate classification (germline): Pathogenic (1 of 4 stars; one submission).

Conditions:
Glycogen storage disease, type V (GSD5). Also called: MCARDLE DISEASE; MUSCLE GLYCOGEN PHOSPHORYLASE DEFICIENCY; MYOPHOSPHORYLASE DEFICIENCY; PYGM DEFICIENCY; McArdle type glycogen storage disease. Identifiers: Orphanet 368, MedGen C0017924, MONDO:0009293, OMIM 232600.

Submission:

Labcorp Genetics (formerly Invitae), Labcorp
Classification: Pathogenic for Glycogen storage disease, type V. Last evaluated: 2024-01-19. Review status: criteria provided, single submitter. Criteria: Invitae Variant Classification Sherloc (09022015). Collection method: clinical testing. Allele origin: germline.
Comment: This variant is a gross deletion of the genomic region encompassing exon(s) 17 of the PYGM gene. This deletion is out-of-frame, and is expected to create a premature termination codon and result in an absent or disrupted protein product. Loss-of-function variants in PYGM are known to be pathogenic (PMID: 8316268, 16786513). A similar copy number variant has been observed in individuals with PYGM-related conditions (PMID: 19251976, 29382405). For these reasons, this variant has been classified as Pathogenic.

Literature cited by the submitters: PubMed 8316268; PubMed 16786513; PubMed 19251976; PubMed 29382405.

NC_000011.10:g.(?_64750356)_(64750603_?)del

Gene: PYGM (glycogen phosphorylase, muscle associated; minus strand). Cytogenetic location: 11q13.1.
Variant type: Deletion.
Identifiers: ClinVar variation 831897 (VCV000831897.6).